The following is an entry in ClinVar:

ClinVar aggregate classification (germline): Likely benign. Review status: criteria provided, multiple submitters, no conflicts (2 of 4 stars). 3 submissions from 3 submitters: Likely benign (3). Last evaluated 2026-03-25.

Conditions:
KIF11-related disorder. Also called: KIF11-related condition.

Allele frequency attached by ClinVar (database versions not stated): ExAC 0.00002; gnomAD exomes 0.00003; ESP Exome Variant Server 0.00015; gnomAD 0.00015 and 0.00016; TOPMed 0.00018.
gnomAD v4.1: 42 of 1,580,584 alleles (0.0027%); highest among the groups gnomAD compares: African/African-American, 0.04%; no homozygotes.

Submissions (3):

PreventionGenetics, part of Exact Sciences
Classification: Likely benign for KIF11-related condition. Last evaluated: 2026-03-25. Review status: criteria provided, single submitter. Criteria: ACMG Guidelines, 2015. Collection method: clinical testing. Allele origin: germline.
Comment: This variant is classified as likely benign based on ACMG/AMP sequence variant interpretation guidelines (Richards et al. 2015 PMID: 25741868, with internal and published modifications).

Labcorp Genetics (formerly Invitae), Labcorp
Classification: Likely benign. Last evaluated: 2025-08-31. Review status: criteria provided, single submitter. Criteria: Invitae Variant Classification Sherloc (09022015). Collection method: clinical testing. Allele origin: germline.

Blueprint Genetics
Classification: Likely benign. Last evaluated: 2024-10-03. Review status: criteria provided, single submitter. Criteria: ACMG Guidelines, 2015. Collection method: clinical testing. Allele origin: germline.

NM_004523.4(KIF11):c.2771-8C>T

Gene: KIF11 (kinesin family member 11; plus strand). Cytogenetic location: 10q23.33.
Variant type: single nucleotide variant.
Coding change: c.2771-8C>T on transcript NM_004523.4 (MANE Select); 8 bases into the intron before coding-DNA position 2771, C replaced by T.
Molecular consequence: intron variant.
Genome position (GRCh38, 1-based): chr10:92,649,827, C>T. VCF-style: chr10-92649827-C-T. GRCh37 (hg19) VCF-style: chr10-94409584-C-T.
Other names: c.2771-8C>T (NM_004523.3).
Identifiers: ClinVar variation 1080584 (VCV001080584.11), dbSNP rs376991078, ClinGen allele CA5604463.
Genomic context (GRCh38, chr10:92,649,827, plus strand): 5'-TTAGGTTTTTTTAAAAATATTTACATCTCATACTTTAATTTTTACCTCTTATCTAATGTC[C>T]GTTAAAGGTACGACACCACAGAGGAAAAGTTATTTATACCCATCAACACTGGTAAGAACT-3'